The following is an entry in ClinVar:

ClinVar aggregate classification (germline): Likely pathogenic (1 of 4 stars; one submission).

Conditions:
Hereditary spastic paraplegia 3A (SPG3A). Also called: SPASTIC PARAPLEGIA 3, AUTOSOMAL DOMINANT; FAMILIAL SPASTIC PARAPLEGIA, AUTOSOMAL DOMINANT, 1; SPG3; STRUMPELL DISEASE; Spastic Paraplegia 3A; Spastic paraplegia 3A, autosomal dominant. Identifiers: Orphanet 100984, MedGen C2931355, MONDO:0008437, OMIM 182600.

Submission:

Labcorp Genetics (formerly Invitae), Labcorp
Classification: Likely pathogenic for Hereditary spastic paraplegia 3A. Last evaluated: 2022-02-23. Review status: criteria provided, single submitter. Criteria: Invitae Variant Classification Sherloc (09022015). Collection method: clinical testing. Allele origin: germline.
Comment: This missense change has been observed in individual(s) with clinical features of autosomal dominant hereditary spastic paraplegia (Invitae). This sequence change replaces alanine, which is neutral and non-polar, with valine, which is neutral and non-polar, at codon 161 of the ATL1 protein (p.Ala161Val). This variant is not present in population databases (gnomAD no frequency). Advanced modeling of protein sequence and biophysical properties (such as structural, functional, and spatial information, amino acid conservation, physicochemical variation, residue mobility, and thermodynamic stability) performed at Invitae indicates that this missense variant is expected to disrupt ATL1 protein function. Experimental studies have shown that this missense change affects ATL1 function (PMID: 23684613). This variant disrupts the p.Ala161 amino acid residue in ATL1. Other variant(s) that disrupt this residue have been observed in individuals with ATL1-related conditions (PMID: 14695538; Invitae), which suggests that this may be a clinically significant amino acid residue. In summary, the currently available evidence indicates that the variant is pathogenic, but additional data are needed to prove that conclusively. Therefore, this variant has been classified as Likely Pathogenic.

Literature cited by the submitters: PubMed 23684613; PubMed 14695538.

NM_015915.5(ATL1):c.482C>T (p.Ala161Val)

Gene: ATL1 (atlastin GTPase 1; plus strand). Cytogenetic location: 14q22.1.
Variant type: single nucleotide variant.
Coding change: c.482C>T on transcript NM_015915.5 (MANE Select); coding-DNA position 482, C replaced by T.
Protein change: p.Ala161Val; replaces alanine 161 with valine.
Molecular consequence: missense variant.
Genome position (GRCh38, 1-based): chr14:50,591,599, C>T. VCF-style: chr14-50591599-C-T. GRCh37 (hg19) VCF-style: chr14-51058317-C-T.
Other names: c.482C>T, p.Ala161Val (NM_001127713.1, NM_181598.4); short protein forms A161V.
Identifiers: ClinVar variation 1486086 (VCV001486086.6), dbSNP rs2140205448, ClinGen allele CA389667499.
Genomic context (GRCh38, chr14:50,591,599, plus strand): 5'-CAGTGTTATTGATGGATACTCAGGGAACCTTTGATAGTCAGTCAACTTTGAGAGATTCAG[C>T]CACAGTATTTGCCCTTAGCACAATGATCAGCTCAATACAGGTATGAAATAAGCCCATTTT-3'
Protein context (NP_056999.2, residues 151-171): FDSQSTLRDS[Ala161Val]TVFALSTMIS